The following is an entry in ClinVar:

NM_058216.3(RAD51C):c.774del (p.Thr259fs)

Gene: RAD51C (RAD51 paralog C; plus strand). Cytogenetic location: 17q22.
Variant type: Deletion.
Coding change: c.774del on transcript NM_058216.3 (MANE Select); coding-DNA position 774, one base deleted (T; older notation c.774delT).
Protein change: p.Thr259fs; shifts the reading frame from threonine 259.
Molecular consequence: frameshift variant. On other transcripts: non-coding transcript variant (1).
Genome position (GRCh38, 1-based): chr17:58,709,927, T deleted. VCF-style (leftmost placement, unchanged base first): chr17-58709926-GT-G. GRCh37 (hg19) VCF-style: chr17-56787287-GT-G.
Other names: c.774del (NM_058216.1, NM_058216.2); c.774delT (NM_058216.3); short protein forms T259fs.
Identifiers: ClinVar variation 419188 (VCV000419188.51), dbSNP rs754367349, ClinGen allele CA8677328.

ClinVar aggregate classification (germline): Pathogenic/Likely pathogenic. Review status: criteria provided, multiple submitters, no conflicts (2 of 4 stars). 14 submissions from 14 submitters: Pathogenic (7); Likely pathogenic (4). 3 of the submissions do not count toward it. Last evaluated 2025-10-27.

Conditions:
Fanconi anemia complementation group O. Also called: RAD51C-Related Fanconi Anemia. Identifiers: Orphanet 84, MedGen C3150653, MONDO:0013248, OMIM 613390.
Breast-ovarian cancer, familial, susceptibility to, 3. Also called: RAD51C-Related Breast/Ovarian Cancer. Identifiers: Orphanet 145, MedGen C3150659, MONDO:0013253, OMIM 613399.
Hereditary cancer-predisposing syndrome. Also called: Tumor predisposition; Hereditary Cancer Syndrome; Hereditary neoplastic syndrome; Neoplastic Syndromes, Hereditary. Identifiers: Orphanet 140162, MedGen C0027672, MeSH D009386, MONDO:0015356.
RAD51C-related disorder. Also called: RAD51C-related disorders; RAD51C-related condition.

Allele frequency attached by ClinVar (database versions not stated): gnomAD exomes 0.00001 and 0.00004; ExAC 0.00009.

Submissions (14):

Labcorp Genetics (formerly Invitae), Labcorp
Classification: Pathogenic for Fanconi anemia complementation group O. Last evaluated: 2025-10-27. Review status: criteria provided, single submitter. Criteria: Invitae Variant Classification Sherloc (09022015). Collection method: clinical testing. Allele origin: germline.
Comment: This sequence change creates a premature translational stop signal (p.Thr259Leufs*4) in the RAD51C gene. It is expected to result in an absent or disrupted protein product. Loss-of-function variants in RAD51C are known to be pathogenic (PMID: 20400964, 21990120, 24800917, 29278735). This variant is present in population databases (rs754367349, gnomAD 0.01%). This premature translational stop signal has been observed in individual(s) with breast cancer and ovarian cancer (PMID: 21537932, 21750962, 26261251). ClinVar contains an entry for this variant (Variation ID: 419188). For these reasons, this variant has been classified as Pathogenic.

Center for Genomic Medicine, Rigshospitalet, Copenhagen University Hospital
Classification: Pathogenic. Last evaluated: 2025-03-04. Review status: criteria provided, single submitter. Criteria: ACMG Guidelines, 2015. Collection method: clinical testing. Allele origin: germline.

Department of Clinical Genetics, Copenhagen University Hospital, Rigshospitalet
Classification: Likely pathogenic for Hereditary cancer-predisposing syndrome. Last evaluated: 2025-02-04. Review status: criteria provided, single submitter. Criteria: ACMG Guidelines, 2015. Collection method: clinical testing. Allele origin: germline.
Comment: PVS1; PS4_SUP

Blueprint Genetics
Classification: Likely pathogenic for RAD51C-related disorders. Last evaluated: 2024-04-09. Review status: criteria provided, single submitter. Criteria: ACMG Guidelines, 2015. Collection method: clinical testing. Allele origin: germline. Affected: yes. Observed: 2 variant alleles.

Myriad Genetics, Inc.
Classification: Pathogenic for Breast-ovarian cancer, familial, susceptibility to, 3. Last evaluated: 2023-04-05. Review status: criteria provided, single submitter. Criteria: Myriad Autosomal Dominant, Autosomal Recessive and X-Linked Classification Criteria (2023). Collection method: clinical testing. Allele origin: unknown.
Comment: This variant is considered pathogenic. This variant creates a frameshift predicted to result in premature protein truncation.

Ambry Genetics
Classification: Pathogenic for Hereditary cancer-predisposing syndrome. Last evaluated: 2023-01-13. Review status: criteria provided, single submitter. Criteria: Ambry Variant Classification Scheme 2023. Collection method: clinical testing. Allele origin: germline.
Comment: The c.774delT pathogenic mutation, located in coding exon 5 of the RAD51C gene, results from a deletion of one nucleotide at nucleotide position 774, causing a translational frameshift with a predicted alternate stop codon (p.T259Lfs*4). This mutation has been reported in multiple individuals with a personal and/or family history of breast and/or ovarian cancer and has also been proposed as a Swedish founder mutation (Romero A et al. Breast Cancer Res. Treat. 2011 Oct;129:939-46; Vuorela M et al. Breast Cancer Res. Treat. 2011 Dec;130:1003-10; Osorio A et al. Hum. Mol. Genet., 2012 Jul;21:2889-98; Song H et al. J. Clin. Oncol. 2015 Sep;33:2901-7). In addition to the clinical data presented in the literature, this alteration is expected to result in loss of function by premature protein truncation or nonsense-mediated mRNA decay. As such, this alteration is interpreted as a disease-causing mutation.

Clinical Genetics Laboratory, Skane University Hospital Lund
Classification: Pathogenic. Last evaluated: 2022-06-17. Review status: criteria provided, single submitter. Criteria: ACMG Guidelines, 2015. Collection method: clinical testing. Allele origin: germline. Affected: yes.

GeneDx
Classification: Likely pathogenic. Last evaluated: 2021-11-19. Review status: criteria provided, single submitter. Criteria: GeneDx Variant Classification Process June 2021. Collection method: clinical testing. Allele origin: germline. Affected: yes.
Comment: Frameshift variant predicted to result in protein truncation or nonsense mediated decay in a gene for which loss-of-function is a known mechanism of disease; Observed in individuals with a personal and family history of RAD51C-related cancers in published literature (Romero 2011, Vuorela 2011, Cunningham 2014, Song 2015, Nguyen-Dumont 2020); This variant is associated with the following publications: (PMID: 23117857, 26261251, 21616938, 25086635, 24800917, 21537932, 21750962, 22451500, 24504028, 21990120, 20400964, 32338768, 25470109)

Division of Medical Genetics, University of Washington
Classification: Likely pathogenic for Breast-ovarian cancer, familial, susceptibility to, 3. Last evaluated: 2019-09-10. Review status: criteria provided, single submitter. Criteria: ACMG Guidelines, 2015. Collection method: clinical testing. Allele origin: germline. Affected: no. Study: CSER_CHARM.
Comment: This variant leads to a translational frameshift and the introduction of a premature termination codon four residues downstream. The variant transcript is predicted to be unstable and degraded by nonsense-mediated decay. Loss of expression of one allele of RAD51C is a well-established mechanism of disease for increased ovarian cancer risk [Romero 2011, Vuorela 2011, Song 2015]. This variant has been reported in individuals with breast and ovarian cancer [Meindl 2010, Thompson 2012, Rashid 2014]. This variant has a combined allele frequency of 0.000045 in the Broad Institute gnomAD Browser. Thus, this variant is interpreted as likely pathogenic.

Clinical Genetics and Genomics, Karolinska University Hospital
Classification: Pathogenic. Last evaluated: 2019-07-24. Review status: criteria provided, single submitter. Criteria: ACMG Guidelines, 2015. Collection method: clinical testing. Allele origin: germline. Affected: yes. Observed: 5 variant alleles.

Color Diagnostics, LLC DBA Color Health
Classification: Pathogenic for Hereditary cancer-predisposing syndrome. Last evaluated: 2017-09-29. Review status: criteria provided, single submitter. Criteria: ACMG Guidelines, 2015. Collection method: clinical testing. Allele origin: germline.

BRCAlab, Lund University
Classification: Pathogenic for Breast-ovarian cancer, familial, susceptibility to, 3. Last evaluated: 2022-08-26. Review status: no assertion criteria provided. Collection method: clinical testing. Allele origin: germline. Affected: yes. Not counted in ClinVar's aggregate classification.

Leiden Open Variation Database
Classification: Pathogenic. Last evaluated: 2020-02-28. Review status: no assertion criteria provided. Collection method: curation. Allele origin: germline. Affected: yes. Not counted in ClinVar's aggregate classification.
Comment: Curator: Arleen D. Auerbach. Submitter to LOVD: Johan den Dunnen.

Counsyl
Classification: Pathogenic for Fanconi anemia complementation group O; Breast-ovarian cancer, familial, susceptibility to, 3. Last evaluated: 2017-02-14. Review status: no assertion criteria provided. Collection method: clinical testing. Allele origin: unknown. Not counted in ClinVar's aggregate classification.

Literature cited by the submitters: PubMed 20400964 (cited by Labcorp Genetics (formerly Invitae), Labcorp); PubMed 21990120 (cited by Labcorp Genetics (formerly Invitae), Labcorp); PubMed 24800917 (cited by Labcorp Genetics (formerly Invitae), Labcorp); PubMed 29278735 (cited by Labcorp Genetics (formerly Invitae), Labcorp); PubMed 21537932 (cited by 5 submitters); PubMed 21750962 (cited by 4 submitters); PubMed 26261251 (cited by 4 submitters); PubMed 22451500 (cited by Ambry Genetics).